The following is an entry in ClinVar:

NM_005076.5(CNTN2):c.1297G>A (p.Gly433Arg)

Gene: CNTN2 (contactin 2; plus strand). Cytogenetic location: 1q32.1.
Variant type: single nucleotide variant.
Coding change: c.1297G>A on transcript NM_005076.5 (MANE Select); coding-DNA position 1297, G replaced by A.
Protein change: p.Gly433Arg; replaces glycine 433 with arginine.
Molecular consequence: missense variant. On other transcripts: non-coding transcript variant (1).
Genome position (GRCh38, 1-based): chr1:205,064,378, G>A. VCF-style: chr1-205064378-G-A. GRCh37 (hg19) VCF-style: chr1-205033506-G-A.
Other names: c.1297G>A, p.Gly433Arg (NM_001346083.2); c.1297G>A (NM_005076.3); short protein forms G433R.
Identifiers: ClinVar variation 1026844 (VCV001026844.7), dbSNP rs571201763, ClinGen allele CA1351335.

ClinVar aggregate classification (germline): Uncertain significance. Review status: criteria provided, multiple submitters, no conflicts (2 of 4 stars). 2 submissions from 2 submitters: Uncertain significance (2). Last evaluated 2022-07-08.

Conditions:
Epilepsy, familial adult myoclonic, 5 (EPEO5). Also called: CORTICAL MYOCLONIC TREMOR WITH EPILEPSY, FAMILIAL, 5. Identifiers: Orphanet 86814, MedGen C3809374, MONDO:0014167, OMIM 615400.

Allele frequency attached by ClinVar (database versions not stated): gnomAD below 0.00001 and 0.00001; TOPMed below 0.00001; 1000 Genomes Project 30x 0.00016; 1000 Genomes Project 0.00020.

Submissions (2):

Ambry Genetics
Classification: Uncertain significance. Last evaluated: 2022-07-08. Review status: criteria provided, single submitter. Criteria: Ambry Variant Classification Scheme 2023. Collection method: clinical testing. Allele origin: germline.

Labcorp Genetics (formerly Invitae), Labcorp
Classification: Uncertain significance for Epilepsy, familial adult myoclonic, 5. Last evaluated: 2021-12-25. Review status: criteria provided, single submitter. Criteria: Invitae Variant Classification Sherloc (09022015). Collection method: clinical testing. Allele origin: germline.
Comment: This sequence change replaces glycine, which is neutral and non-polar, with arginine, which is basic and polar, at codon 433 of the CNTN2 protein (p.Gly433Arg). This variant is present in population databases (rs571201763, gnomAD 0.04%). This variant has not been reported in the literature in individuals affected with CNTN2-related conditions. ClinVar contains an entry for this variant (Variation ID: 1026844). Algorithms developed to predict the effect of missense changes on protein structure and function are either unavailable or do not agree on the potential impact of this missense change (SIFT: "Deleterious"; PolyPhen-2: "Probably Damaging"; Align-GVGD: "Class C15"). Algorithms developed to predict the effect of sequence changes on RNA splicing suggest that this variant may create or strengthen a splice site. In summary, the available evidence is currently insufficient to determine the role of this variant in disease. Therefore, it has been classified as a Variant of Uncertain Significance.